The following is an entry in ClinVar:

ClinVar aggregate classification (germline): Uncertain significance. Review status: criteria provided, multiple submitters, no conflicts (2 of 4 stars). 2 submissions from 2 submitters: Uncertain significance (2). Last evaluated 2025-03-27.

Allele frequency attached by ClinVar (database versions not stated): gnomAD exomes below 0.00001.
gnomAD v4.1: 2 of 1,602,268 alleles (0.00012%); highest among the groups gnomAD compares: Non-Finnish European, 0.00017%; no homozygotes.

Submissions (2):

Ambry Genetics
Classification: Uncertain significance. Last evaluated: 2025-03-27. Review status: criteria provided, single submitter. Criteria: Ambry Variant Classification Scheme 2023. Collection method: clinical testing. Allele origin: germline.
Comment: The p.K344E variant (also known as c.1030A>G), located in coding exon 9 of the GEN1 gene, results from an A to G substitution at nucleotide position 1030. The lysine at codon 344 is replaced by glutamic acid, an amino acid with similar properties. This amino acid position is conserved. In addition, this alteration is predicted to be tolerated by in silico analysis. Based on the available evidence, the clinical significance of this variant remains unclear.

Labcorp Genetics (formerly Invitae), Labcorp
Classification: Uncertain significance. Last evaluated: 2021-12-24. Review status: criteria provided, single submitter. Criteria: Invitae Variant Classification Sherloc (09022015). Collection method: clinical testing. Allele origin: germline.
Comment: In summary, the available evidence is currently insufficient to determine the role of this variant in disease. Therefore, it has been classified as a Variant of Uncertain Significance. Algorithms developed to predict the effect of missense changes on protein structure and function (SIFT, PolyPhen-2, Align-GVGD) all suggest that this variant is likely to be tolerated. This variant has not been reported in the literature in individuals affected with GEN1-related conditions. This variant is not present in population databases (gnomAD no frequency). This sequence change replaces lysine, which is basic and polar, with glutamic acid, which is acidic and polar, at codon 344 of the GEN1 protein (p.Lys344Glu).

NM_001130009.3(GEN1):c.1030A>G (p.Lys344Glu)

Gene: GEN1 (GEN1 structure-specific endonuclease; plus strand). Cytogenetic location: 2p24.2.
Variant type: single nucleotide variant.
Coding change: c.1030A>G on transcript NM_001130009.3 (MANE Select); coding-DNA position 1030, A replaced by G.
Protein change: p.Lys344Glu; replaces lysine 344 with glutamic acid.
Molecular consequence: missense variant.
Genome position (GRCh38, 1-based): chr2:17,773,258, A>G. VCF-style: chr2-17773258-A-G. GRCh37 (hg19) VCF-style: chr2-17954525-A-G.
Other names: c.1030A>G (NM_001130009.1); c.1030A>G, p.Lys344Glu (NM_182625.5); short protein forms K344E.
Identifiers: ClinVar variation 2182684 (VCV002182684.5), dbSNP rs1310226116, ClinGen allele CA345918512.